The following is an entry in ClinVar:

NM_001244710.2(GFPT1):c.1561C>T (p.Arg521Cys)

Gene: GFPT1 (glutamine--fructose-6-phosphate transaminase 1; minus strand). Cytogenetic location: 2p13.3.
Variant type: single nucleotide variant.
Coding change: c.1561C>T on transcript NM_001244710.2 (MANE Select); coding-DNA position 1561, C replaced by T.
Protein change: p.Arg521Cys; replaces arginine 521 with cysteine.
Molecular consequence: missense variant.
Genome position (GRCh38, 1-based): chr2:69,329,720, G>A on the plus strand (C>T on the coding strand, the complement: GFPT1 is on the minus strand). VCF-style: chr2-69329720-G-A. GRCh37 (hg19) VCF-style: chr2-69556852-G-A.
Other names: c.1507C>T, p.Arg503Cys (NM_002056.4); short protein forms R503C, R521C.
Identifiers: ClinVar variation 473129 (VCV000473129.7), dbSNP rs1421146245, ClinGen allele CA347422861.

ClinVar aggregate classification (germline): Uncertain significance (1 of 4 stars; one submission).

Conditions:
Congenital myasthenic syndrome 12 (CMS12). Also called: MYASTHENIC SYNDROME, CONGENITAL, WITH TUBULAR AGGREGATES 1; Myasthenia, congenital, 12, with tubular aggregates. Identifiers: Orphanet 353327, Orphanet 590, MedGen C3552335, MONDO:0012518, OMIM 610542.

Allele frequency attached by ClinVar (database versions not stated): gnomAD exomes below 0.00001 and 0.00001.
gnomAD v4.1: 8 of 1,612,390 alleles (0.0005%); highest among the groups gnomAD compares: Admixed American, 0.0017%; no homozygotes.

Submission:

Labcorp Genetics (formerly Invitae), Labcorp
Classification: Uncertain significance for Congenital myasthenic syndrome 12. Last evaluated: 2022-07-06. Review status: criteria provided, single submitter. Criteria: Invitae Variant Classification Sherloc (09022015). Collection method: clinical testing. Allele origin: germline.
Comment: This sequence change replaces arginine, which is basic and polar, with cysteine, which is neutral and slightly polar, at codon 503 of the GFPT1 protein (p.Arg503Cys). This variant is present in population databases (no rsID available, gnomAD 0.003%). This variant has not been reported in the literature in individuals affected with GFPT1-related conditions. ClinVar contains an entry for this variant (Variation ID: 473129). Algorithms developed to predict the effect of missense changes on protein structure and function (SIFT, PolyPhen-2, Align-GVGD) all suggest that this variant is likely to be disruptive. In summary, the available evidence is currently insufficient to determine the role of this variant in disease. Therefore, it has been classified as a Variant of Uncertain Significance.